The following is an entry in ClinVar:

ClinVar aggregate classification (germline): Conflicting classifications of pathogenicity. Review status: criteria provided, conflicting classifications (1 of 4 stars). 9 submissions from 9 submitters: Uncertain significance (7); Benign (1); Likely benign (1). Last evaluated 2026-01-31.

Conditions:
Dilated cardiomyopathy 1AA (CMD1AA). Also called: Cardiomyopathy, dilated, 1AA, with or without LVNC; CARDIOMYOPATHY, DILATED, 1AA, WITH OR WITHOUT LEFT VENTRICULAR NONCOMPACTION; CARDIOMYOPATHY, FAMILIAL HYPERTROPHIC, 23, WITH OR WITHOUT LEFT VENTRICULAR NONCOMPACTION. Identifiers: Orphanet 154, MedGen C2677338, MONDO:0012808, OMIM 612158.
Myopathy, congenital, with structured cores and z-line abnormalities. Also called: MULTIPLE STRUCTURED CORE DISEASE; CONGENITAL MYOPATHY 8. Identifiers: MedGen C5231445, MONDO:0032852, OMIM 618654.
Myopathy, distal, 6, adult-onset, autosomal dominant. Identifiers: MedGen C5203349, MONDO:0032853, OMIM 618655.
ACTN2-related disorder. Also called: ACTN2 related condition; ACTN2-related disorders.
Cardiovascular phenotype. Identifiers: MedGen CN230736.
Cardiomyopathy (CMYO). Also called: Cardiomyopathies. Identifiers: Orphanet 167848, MedGen C0878544, MONDO:0004994, HP:0001638. Inheritance: Various modes of inheritance.
Primary familial hypertrophic cardiomyopathy (HCM). Identifiers: Orphanet 99739, MedGen C0949658, MeSH D024741, MONDO:0024573. Inheritance: Various modes of inheritance.

Allele frequency attached by ClinVar (database versions not stated): ExAC 0.00009; gnomAD exomes 0.00009 and 0.00022; gnomAD 0.00013 and 0.00014; TOPMed 0.00015; ESP Exome Variant Server 0.00023.
gnomAD v4.1: 344 of 1,610,922 alleles (0.021%); highest among the groups gnomAD compares: Non-Finnish European, 0.028%; no homozygotes.

Submissions (9):

Labcorp Genetics (formerly Invitae), Labcorp
Classification: Uncertain significance for Primary familial hypertrophic cardiomyopathy; Dilated cardiomyopathy 1AA. Last evaluated: 2026-01-31. Review status: criteria provided, single submitter. Criteria: Invitae Variant Classification Sherloc (09022015). Collection method: clinical testing. Allele origin: germline.
Comment: This sequence change falls in intron 19 of the ACTN2 gene. It does not directly change the encoded amino acid sequence of the ACTN2 protein. It affects a nucleotide within the consensus splice site. This variant is present in population databases (rs200469353, gnomAD 0.02%). This variant has not been reported in the literature in individuals affected with ACTN2-related conditions. ClinVar contains an entry for this variant (Variation ID: 43927). Variants that disrupt the consensus splice site are a relatively common cause of aberrant splicing (PMID: 17576681, 9536098). Algorithms developed to predict the effect of sequence changes on RNA splicing suggest that this variant may disrupt the consensus splice site. In summary, the available evidence is currently insufficient to determine the role of this variant in disease. Therefore, it has been classified as a Variant of Uncertain Significance.

PreventionGenetics, part of Exact Sciences
Classification: Likely benign for ACTN2-related condition. Last evaluated: 2025-12-15. Review status: criteria provided, single submitter. Criteria: ACMG Guidelines, 2015. Collection method: clinical testing. Allele origin: germline.
Comment: This variant is classified as likely benign based on ACMG/AMP sequence variant interpretation guidelines (Richards et al. 2015 PMID: 25741868, with internal and published modifications).

Women's Health and Genetics/Laboratory Corporation of America, LabCorp
Classification: Benign. Last evaluated: 2025-04-29. Review status: criteria provided, single submitter. Criteria: LabCorp Variant Classification Summary - May 2015. Collection method: clinical testing. Allele origin: germline.

ARUP Laboratories, Molecular Genetics and Genomics, ARUP Laboratories
Classification: Uncertain significance. Last evaluated: 2025-02-10. Review status: criteria provided, single submitter. Criteria: ARUP Molecular Germline Variant Investigation Process 2024. Collection method: clinical testing. Allele origin: germline.
Comment: The ACTN2 c.2367+5G>A variant (rs200469353), to our knowledge, is not reported in the medical literature but is reported in ClinVar (Variation ID: 43927). This variant is found in the non-Finnish European population with an overall allele frequency of 0.02% (25/129196 alleles) in the Genome Aggregation Database. This is an intronic variant in a highly conserved nucleotide, and computational analyses (Alamut v.2.11) predict that this variant may impact splicing by weakening the nearby canonical donor splice site, although RNA studies would be required to confirm this. Given the lack of clinical and functional data, the significance of the c.2367+5G>A variant is uncertain at this time.

Fulgent Genetics
Classification: Uncertain significance for Dilated cardiomyopathy 1AA; Myopathy, congenital, with structured cores and z-line abnormalities; Myopathy, distal, 6, adult-onset, autosomal dominant. Last evaluated: 2021-08-11. Review status: criteria provided, single submitter. Criteria: ACMG Guidelines, 2015. Collection method: clinical testing. Allele origin: unknown.

GeneDx
Classification: Uncertain significance. Last evaluated: 2021-01-15. Review status: criteria provided, single submitter. Criteria: GeneDx Variant Classification Process June 2021. Collection method: clinical testing. Allele origin: germline. Affected: yes.
Comment: Has not been previously published as pathogenic or benign to our knowledge; Reported in ClinVar as a variant of uncertain significance (ClinVar Variant ID# 43927; Landrum et al., 2016); In-silico analysis, which includes splice predictors and evolutionary conservation, is inconclusive as to whether the variant alters gene splicing; in the absence of RNA/functional studies, the actual effect of this sequence change is unknown

Ambry Genetics
Classification: Uncertain significance for Cardiovascular phenotype. Last evaluated: 2020-11-09. Review status: criteria provided, single submitter. Criteria: Ambry Variant Classification Scheme 2023. Collection method: clinical testing. Allele origin: germline.
Comment: The c.2367+5G>A intronic alteration consists of a G to A substitution nucleotides after coding exon 19 in the ACTN2 gene. Based on insufficient or conflicting evidence, the clinical significance of this alteration remains unclear.

CHEO Genetics Diagnostic Laboratory, Children's Hospital of Eastern Ontario
Classification: Uncertain significance for Cardiomyopathy. Last evaluated: 2017-02-10. Review status: criteria provided, single submitter. Criteria: ACMG Guidelines, 2015. Collection method: clinical testing. Allele origin: germline. Study: Canadian Open Genetics Repository.

Laboratory for Molecular Medicine, Mass General Brigham Personalized Medicine
Classification: Uncertain significance. Last evaluated: 2012-04-11. Review status: criteria provided, single submitter. Criteria: LMM Criteria. Collection method: clinical testing. Allele origin: germline. Observed: 1 variant allele.
Comment: The 2367+5G>A variant (ACTN2) has not been reported in the literature nor previo usly identified by our laboratory. This variant is located in the 5' splice regi on. Computational tools predict possible altered splicing. However, this informa tion is not predictive enough to determine pathogenicity. This variant has been identified in 2/7020 European American chromosomes in a broad control popultatio n by the NHLBI Exome Sequencing Project. In s ummary, additional information is needed to fully assess the clinical significan ce of the 2367+5G>A variant.

Literature cited by the submitters: PubMed 17576681 (cited by Labcorp Genetics (formerly Invitae), Labcorp); PubMed 9536098 (cited by Labcorp Genetics (formerly Invitae), Labcorp).

NM_001103.4(ACTN2):c.2367+5G>A

Gene: ACTN2 (actinin alpha 2; plus strand). Cytogenetic location: 1q43.
Variant type: single nucleotide variant.
Coding change: c.2367+5G>A on transcript NM_001103.4 (MANE Select); 5 bases into the intron after coding-DNA position 2367, G replaced by A.
Molecular consequence: intron variant.
Genome position (GRCh38, 1-based): chr1:236,759,794, G>A. VCF-style: chr1-236759794-G-A. GRCh37 (hg19) VCF-style: chr1-236923094-G-A.
Other names: c.1743+5G>A (NM_001278344.2); c.2367+5G>A (NM_001278343.2).
Identifiers: ClinVar variation 43927 (VCV000043927.26), dbSNP rs200469353, ClinGen allele CA133179.